The following is an entry in ClinVar:

ClinVar aggregate classification (germline): Uncertain significance (1 of 4 stars; one submission).

Allele frequency attached by ClinVar (database versions not stated): ExAC 0.00002; gnomAD 0.00002 and 0.00003; gnomAD exomes 0.00002 and 0.00005; TOPMed 0.00002.
gnomAD v4.1: 30 of 1,612,624 alleles (0.0019%); highest among the groups gnomAD compares: East Asian, 0.011%; no homozygotes.

Submission:

Labcorp Genetics (formerly Invitae), Labcorp
Classification: Uncertain significance. Last evaluated: 2022-05-27. Review status: criteria provided, single submitter. Criteria: Invitae Variant Classification Sherloc (09022015). Collection method: clinical testing. Allele origin: germline.
Comment: In summary, the available evidence is currently insufficient to determine the role of this variant in disease. Therefore, it has been classified as a Variant of Uncertain Significance. Algorithms developed to predict the effect of missense changes on protein structure and function are either unavailable or do not agree on the potential impact of this missense change (SIFT: "Deleterious"; PolyPhen-2: "Benign"; Align-GVGD: "Class C0"). This variant has not been reported in the literature in individuals affected with ACO2-related conditions. This variant is present in population databases (rs778653392, gnomAD 0.04%). This sequence change replaces glutamic acid, which is acidic and polar, with lysine, which is basic and polar, at codon 137 of the ACO2 protein (p.Glu137Lys).

NM_001098.3(ACO2):c.409G>A (p.Glu137Lys)

Gene: ACO2 (aconitase 2; plus strand). Cytogenetic location: 22q13.2.
Variant type: single nucleotide variant.
Coding change: c.409G>A on transcript NM_001098.3 (MANE Select); coding-DNA position 409, G replaced by A.
Protein change: p.Glu137Lys; replaces glutamic acid 137 with lysine.
Molecular consequence: missense variant.
Genome position (GRCh38, 1-based): chr22:41,508,026, G>A. VCF-style: chr22-41508026-G-A. GRCh37 (hg19) VCF-style: chr22-41904030-G-A.
Other names: short protein forms E137K.
Identifiers: ClinVar variation 1408905 (VCV001408905.6), dbSNP rs778653392, ClinGen allele CA10257342.